The following is an entry in ClinVar:

ClinVar aggregate classification (germline): Uncertain significance (1 of 4 stars; one submission).

Conditions:
Cardiovascular phenotype. Identifiers: MedGen CN230736.

Submission:

Ambry Genetics
Classification: Uncertain significance for Cardiovascular phenotype. Last evaluated: 2024-11-27. Review status: criteria provided, single submitter. Criteria: Ambry Variant Classification Scheme 2023. Collection method: clinical testing. Allele origin: germline.
Comment: The p.P720S variant (also known as c.2158C>T), located in coding exon 5 of the ALPK3 gene, results from a C to T substitution at nucleotide position 2158. The proline at codon 720 is replaced by serine, an amino acid with similar properties. This amino acid position is conserved. In addition, this alteration is predicted to be tolerated by in silico analysis. Based on the available evidence, the clinical significance of this variant remains unclear.

NM_020778.5(ALPK3):c.1552C>T (p.Pro518Ser)

Genes: ALPK3 (alpha kinase 3; plus strand), LOC111718493 (skeletal muscle cis-regulatory module overlapping ALPK3; plus strand). Cytogenetic location: 15q25.3.
Variant type: single nucleotide variant.
Coding change: c.1552C>T on transcript NM_020778.5 (MANE Select); coding-DNA position 1552, C replaced by T.
Protein change: p.Pro518Ser; replaces proline 518 with serine.
Molecular consequence: missense variant.
Genome position (GRCh38, 1-based): chr15:84,840,831, C>T. VCF-style: chr15-84840831-C-T. GRCh37 (hg19) VCF-style: chr15-85384062-C-T.
Other names: short protein forms P518S.
Identifiers: ClinVar variation 3533579 (VCV003533579.1).